The following is an entry in ClinVar:

NM_012418.4(FSCN2):c.667G>A (p.Asp223Asn)

Gene: FSCN2 (fascin actin-bundling protein 2, retinal; plus strand). Cytogenetic location: 17q25.3.
Variant type: single nucleotide variant.
Coding change: c.667G>A on transcript NM_012418.4 (MANE Select); coding-DNA position 667, G replaced by A.
Protein change: p.Asp223Asn; replaces aspartic acid 223 with asparagine.
Molecular consequence: missense variant.
Genome position (GRCh38, 1-based): chr17:81,529,198, G>A. VCF-style: chr17-81529198-G-A. GRCh37 (hg19) VCF-style: chr17-79496224-G-A.
Other names: c.667G>A (NM_001077182.2); c.667G>A, p.Asp223Asn (NM_001077182.3); short protein forms D223N.
Identifiers: ClinVar variation 1404672 (VCV001404672.9), dbSNP rs782548253, ClinGen allele CA8836746.

ClinVar aggregate classification (germline): Uncertain significance. Review status: criteria provided, multiple submitters, no conflicts (2 of 4 stars). 2 submissions from 2 submitters: Uncertain significance (2). Last evaluated 2025-03-05.

Allele frequency attached by ClinVar (database versions not stated): gnomAD exomes 0.00002 and 0.00004; TOPMed 0.00003; gnomAD 0.00005; ExAC 0.00008.
gnomAD v4.1: 63 of 1,596,494 alleles (0.0039%); highest among the groups gnomAD compares: Non-Finnish European, 0.0054%; no homozygotes.

Submissions (2):

Labcorp Genetics (formerly Invitae), Labcorp
Classification: Uncertain significance. Last evaluated: 2025-03-05. Review status: criteria provided, single submitter. Criteria: Invitae Variant Classification Sherloc (09022015). Collection method: clinical testing. Allele origin: germline.
Comment: This sequence change replaces aspartic acid, which is acidic and polar, with asparagine, which is neutral and polar, at codon 223 of the FSCN2 protein (p.Asp223Asn). This variant is present in population databases (rs782548253, gnomAD 0.007%). This variant has not been reported in the literature in individuals affected with FSCN2-related conditions. ClinVar contains an entry for this variant (Variation ID: 1404672). An algorithm developed to predict the effect of missense changes on protein structure and function (PolyPhen-2) suggests that this variant is likely to be disruptive. In summary, the available evidence is currently insufficient to determine the role of this variant in disease. Therefore, it has been classified as a Variant of Uncertain Significance.

Ambry Genetics
Classification: Uncertain significance. Last evaluated: 2021-06-18. Review status: criteria provided, single submitter. Criteria: Ambry Variant Classification Scheme 2023. Collection method: clinical testing. Allele origin: germline.